The following is an entry in ClinVar:

NM_001080453.3(INTS1):c.3424_3429+20del

Gene: INTS1 (integrator complex subunit 1; minus strand). Cytogenetic location: 7p22.3.
Variant type: Deletion.
Coding change: c.3424_3429+20del on transcript NM_001080453.3 (MANE Select); coding-DNA position 3424 through 20 bases into the intron after coding-DNA position 3429, 26 bases deleted (AGCTGGGTGAGGGCGAGGAGGTCTAC).
Molecular consequence: splice donor variant.
Genome position (GRCh38, 1-based): chr7:1,483,983-1,484,008, GTAGACCTCCTCGCCCTCACCCAGCT deleted on the plus strand (AGCTGGGTGAGGGCGAGGAGGTCTAC on the coding strand, the reverse complement: INTS1 is on the minus strand); deleting any 26 consecutive bases within chr7:1,483,983-1,484,026 gives the same sequence; the c. name uses the placement nearest the transcript's 3' end. VCF-style (leftmost placement, unchanged base first): chr7-1483982-CGTAGACCTCCTCGCCCTCACCCAGCT-C. GRCh37 (hg19) VCF-style: chr7-1523618-CGTAGACCTCCTCGCCCTCACCCAGCT-C.
Identifiers: ClinVar variation 1342412 (VCV001342412.3), dbSNP rs774959930, ClinGen allele CA4119320.

ClinVar aggregate classification (germline): Likely pathogenic. Review status: criteria provided, multiple submitters, no conflicts (2 of 4 stars). 2 submissions from 2 submitters: Likely pathogenic (2). Last evaluated 2022-06-29.

Conditions:
Neurodevelopmental disorder with cataracts, poor growth, and dysmorphic facies. Identifiers: MedGen C5231414, MONDO:0032817, OMIM 618571.

Submissions (2):

Labcorp Genetics (formerly Invitae), Labcorp
Classification: Likely pathogenic. Last evaluated: 2022-06-29. Review status: criteria provided, single submitter. Criteria: Invitae Variant Classification Sherloc (09022015). Collection method: clinical testing. Allele origin: germline.
Comment: This variant results in the deletion of part of exon 25 (c.3424_3429+20del) of the INTS1 gene. It is expected to disrupt RNA splicing. Variants that disrupt the donor or acceptor splice site typically lead to a loss of protein function (PMID: 16199547), and loss-of-function variants in INTS1 are known to be pathogenic (PMID: 28542170, 30622326). This variant is present in population databases (rs774959930, gnomAD 0.003%). This variant has not been reported in the literature in individuals affected with INTS1-related conditions. Algorithms developed to predict the effect of sequence changes on RNA splicing suggest that this variant may disrupt the consensus splice site. In summary, the currently available evidence indicates that the variant is pathogenic, but additional data are needed to prove that conclusively. Therefore, this variant has been classified as Likely Pathogenic.

New York Genome Center
Classification: Likely pathogenic for Neurodevelopmental disorder with cataracts, poor growth, and dysmorphic facies. Last evaluated: 2021-03-12. Review status: criteria provided, single submitter. Criteria: NYGC Assertion Criteria 2020. Collection method: clinical testing. Allele origin: de novo. Observed: 1 heterozygote. Study: CSER-NYCKidSeq.

Literature cited by the submitters: PubMed 16199547 (cited by Labcorp Genetics (formerly Invitae), Labcorp); PubMed 28542170 (cited by Labcorp Genetics (formerly Invitae), Labcorp); PubMed 30622326 (cited by Labcorp Genetics (formerly Invitae), Labcorp).